The following is an entry in ClinVar:

NM_001134831.2(AHI1):c.3349C>G (p.Pro1117Ala)

Gene: AHI1 (Abelson helper integration site 1; minus strand). Cytogenetic location: 6q23.3.
Variant type: single nucleotide variant.
Coding change: c.3349C>G on transcript NM_001134831.2 (MANE Select); coding-DNA position 3349, C replaced by G.
Protein change: p.Pro1117Ala; replaces proline 1117 with alanine.
Molecular consequence: missense variant.
Genome position (GRCh38, 1-based): chr6:135,318,596, G>C on the plus strand (C>G on the coding strand, the complement: AHI1 is on the minus strand). VCF-style: chr6-135318596-G-C. GRCh37 (hg19) VCF-style: chr6-135639734-G-C.
Other names: c.3349C>G, p.Pro1117Ala (NM_001134830.2, NM_001350503.2, NM_001350504.2 and 1 more transcripts); short protein forms P1117A.
Identifiers: ClinVar variation 2012983 (VCV002012983.4), dbSNP rs1425036003, ClinGen allele CA365844408.
Genomic context (GRCh38, chr6:135,318,596, plus strand): 5'-ATTTTTCTATTTTAGTTTTTTCCTCAGGGCTTAAAGGAGGGGATCGCTCCTTTATCTCAG[G>C]AGGCAGTTCTTGATACAGTGCTGAAATTGGAAAAAGGAATTCATGTAATCAAATTGAGGA-3'
Protein context (NP_001128303.1, residues 1107-1127): ASETLYQELP[Pro1117Ala]EIKERSPPLS

ClinVar aggregate classification (germline): Uncertain significance (1 of 4 stars; one submission).

Conditions:
Joubert syndrome. Also called: CEREBELLOPARENCHYMAL DISORDER IV; JOUBERT-BOLTSHAUSER SYNDROME; Familial aplasia of the vermis. Identifiers: Orphanet 475, MedGen C5979921, MONDO:0018772.

Submission:

Labcorp Genetics (formerly Invitae), Labcorp
Classification: Uncertain significance for Joubert syndrome. Last evaluated: 2022-07-01. Review status: criteria provided, single submitter. Criteria: Invitae Variant Classification Sherloc (09022015). Collection method: clinical testing. Allele origin: germline.
Comment: This sequence change replaces proline, which is neutral and non-polar, with alanine, which is neutral and non-polar, at codon 1117 of the AHI1 protein (p.Pro1117Ala). This variant is not present in population databases (gnomAD no frequency). This variant has not been reported in the literature in individuals affected with AHI1-related conditions. Advanced modeling of protein sequence and biophysical properties (such as structural, functional, and spatial information, amino acid conservation, physicochemical variation, residue mobility, and thermodynamic stability) performed at Invitae indicates that this missense variant is not expected to disrupt AHI1 protein function. In summary, the available evidence is currently insufficient to determine the role of this variant in disease. Therefore, it has been classified as a Variant of Uncertain Significance.